The following is an entry in ClinVar:

ClinVar aggregate classification (germline): Uncertain significance. Review status: criteria provided, multiple submitters, no conflicts (2 of 4 stars). 2 submissions from 2 submitters: Uncertain significance (2). Last evaluated 2025-09-23.

Conditions:
Inborn genetic diseases. Identifiers: MedGen C0950123, MeSH D030342.

Allele frequency attached by ClinVar (database versions not stated): TOPMed below 0.00001; gnomAD 0.00001; gnomAD exomes 0.00003.

Submissions (2):

Labcorp Genetics (formerly Invitae), Labcorp
Classification: Uncertain significance. Last evaluated: 2025-09-23. Review status: criteria provided, single submitter. Criteria: Invitae Variant Classification Sherloc (09022015). Collection method: clinical testing. Allele origin: germline.
Comment: This sequence change replaces glycine, which is neutral and non-polar, with serine, which is neutral and polar, at codon 483 of the CACNA1F protein (p.Gly483Ser). This variant is not present in population databases (gnomAD no frequency). This variant has not been reported in the literature in individuals affected with CACNA1F-related conditions. ClinVar contains an entry for this variant (Variation ID: 839204). An algorithm developed to predict the effect of missense changes on protein structure and function (PolyPhen-2) suggests that this variant is likely to be tolerated. In summary, the available evidence is currently insufficient to determine the role of this variant in disease. Therefore, it has been classified as a Variant of Uncertain Significance.

Ambry Genetics
Classification: Uncertain significance for Inborn genetic diseases. Last evaluated: 2023-09-14. Review status: criteria provided, single submitter. Criteria: Ambry Variant Classification Scheme 2023. Collection method: clinical testing. Allele origin: germline.

NM_001256789.3(CACNA1F):c.1414G>A (p.Gly472Ser)

Gene: CACNA1F (calcium voltage-gated channel subunit alpha1 F; minus strand). Cytogenetic location: Xp11.23.
Variant type: single nucleotide variant.
Coding change: c.1414G>A on transcript NM_001256789.3 (MANE Select); coding-DNA position 1414, G replaced by A.
Protein change: p.Gly472Ser; replaces glycine 472 with serine.
Molecular consequence: missense variant.
Genome position (GRCh38, 1-based): chrX:49,226,458, C>T on the plus strand (G>A on the coding strand, the complement: CACNA1F is on the minus strand). VCF-style: chrX-49226458-C-T. GRCh37 (hg19) VCF-style: chrX-49082920-C-T.
Other names: c.1252G>A, p.Gly418Ser (NM_001256790.3); c.1447G>A, p.Gly483Ser (NM_005183.4); c.1447G>A (NM_005183.2); short protein forms G472S, G418S, G483S.
Identifiers: ClinVar variation 839204 (VCV000839204.11), dbSNP rs782254354, ClinGen allele CA329123551.
Genomic context (GRCh38, chrX:49,226,458, plus strand): 5'-GGGGCCCTCACAGGCAGCGTGTACAGCTGGCCAGAGCCCCCTCCTCCTCATCCTCATCGC[C>T]TTGGGTCTCTGTCATGGAACCGGTGTCACTGGCTGGGAGGCTGGCTGTAGGCAAGGTGGG-3'
Protein context (NP_001243718.1, residues 462-482): SDTGSMTETQ[Gly472Ser]DEDEEEGALA